The following is an entry in ClinVar:

NM_000384.3(APOB):c.2738C>T (p.Ala913Val)

Gene: APOB (apolipoprotein B; minus strand). Cytogenetic location: 2p24.1.
Variant type: single nucleotide variant.
Coding change: c.2738C>T on transcript NM_000384.3 (MANE Select); coding-DNA position 2738, C replaced by T.
Protein change: p.Ala913Val; replaces alanine 913 with valine.
Molecular consequence: missense variant.
Genome position (GRCh38, 1-based): chr2:21,022,909, G>A on the plus strand (C>T on the coding strand, the complement: APOB is on the minus strand). VCF-style: chr2-21022909-G-A. GRCh37 (hg19) VCF-style: chr2-21245781-G-A.
Other names: short protein forms A913V.
Identifiers: ClinVar variation 3761683 (VCV003761683.2).

ClinVar aggregate classification (germline): Uncertain significance (1 of 4 stars; one submission).

Conditions:
Familial hypobetalipoproteinemia 1. Also called: APOB-Related Familial Hypobetalipoproteinemia; Hypobetalipoproteinemia, normotriglyceridemic; Acanthocytosis with hypobetalipoproteinemia. Identifiers: MedGen C4551990, MONDO:0014252, OMIM 615558.
Hypercholesterolemia, autosomal dominant, type B (FHCL2). Also called: Familial Hypercholesterolemia Type B; APOLIPOPROTEIN B-100, FAMILIAL DEFECTIVE; APOLIPOPROTEIN B-100, FAMILIAL LIGAND-DEFECTIVE; HYPERCHOLESTEROLEMIA, FAMILIAL, DUE TO LIGAND-DEFECTIVE APOLIPOPROTEIN B; Hyperlipoproteinemia Type IIb; Familial hypercholesterolemia 2. Identifiers: MedGen C1704417, MONDO:0007751, OMIM 144010.

gnomAD v4.1: 2 of 1,614,134 alleles (0.00012%); highest among the groups gnomAD compares: Non-Finnish European, 0.00017%; no homozygotes.

Submission:

Labcorp Genetics (formerly Invitae), Labcorp
Classification: Uncertain significance for Familial hypobetalipoproteinemia 1; Hypercholesterolemia, autosomal dominant, type B. Last evaluated: 2024-02-13. Review status: criteria provided, single submitter. Criteria: Invitae Variant Classification Sherloc (09022015). Collection method: clinical testing. Allele origin: germline.
Comment: This sequence change replaces alanine, which is neutral and non-polar, with valine, which is neutral and non-polar, at codon 913 of the APOB protein (p.Ala913Val). This variant is not present in population databases (gnomAD no frequency). This variant has not been reported in the literature in individuals affected with APOB-related conditions. Advanced modeling of protein sequence and biophysical properties (such as structural, functional, and spatial information, amino acid conservation, physicochemical variation, residue mobility, and thermodynamic stability) performed at Invitae indicates that this missense variant is not expected to disrupt APOB protein function with a negative predictive value of 95%. In summary, the available evidence is currently insufficient to determine the role of this variant in disease. Therefore, it has been classified as a Variant of Uncertain Significance.